The following is an entry in ClinVar:

ClinVar aggregate classification (germline): Uncertain significance (1 of 4 stars; one submission).

gnomAD v4.1: 1 of 1,606,204 alleles (0.000062%); highest among the groups gnomAD compares: Non-Finnish European, 0.000085%; no homozygotes.

Submission:

Labcorp Genetics (formerly Invitae), Labcorp
Classification: Uncertain significance. Last evaluated: 2025-09-03. Review status: criteria provided, single submitter. Criteria: Invitae Variant Classification Sherloc (09022015). Collection method: clinical testing. Allele origin: germline.
Comment: This sequence change replaces arginine, which is basic and polar, with glycine, which is neutral and non-polar, at codon 258 of the IL12RB2 protein (p.Arg258Gly). This variant is not present in population databases (gnomAD no frequency). This variant has not been reported in the literature in individuals affected with IL12RB2-related conditions. An algorithm developed to predict the effect of missense changes on protein structure and function (PolyPhen-2) suggests that this variant is likely to be disruptive. In summary, the available evidence is currently insufficient to determine the role of this variant in disease. Therefore, it has been classified as a Variant of Uncertain Significance.

NM_001374259.2(IL12RB2):c.772A>G (p.Arg258Gly)

Gene: IL12RB2 (interleukin 12 receptor subunit beta 2; plus strand). Cytogenetic location: 1p31.3.
Variant type: single nucleotide variant.
Coding change: c.772A>G on transcript NM_001374259.2 (MANE Select); coding-DNA position 772, A replaced by G.
Protein change: p.Arg258Gly; replaces arginine 258 with glycine.
Molecular consequence: missense variant. On other transcripts: non-coding transcript variant (2).
Genome position (GRCh38, 1-based): chr1:67,329,694, A>G. VCF-style: chr1-67329694-A-G. GRCh37 (hg19) VCF-style: chr1-67795377-A-G.
Other names: c.772A>G, p.Arg258Gly (NM_001258214.1, NM_001258215.1, NM_001258216.1 and 2 more transcripts); short protein forms R258G.
Identifiers: ClinVar variation 4726259 (VCV004726259.1).